The following is an entry in ClinVar:

NM_000321.3(RB1):c.2449G>C (p.Glu817Gln)

Gene: RB1 (RB transcriptional corepressor 1; plus strand). Cytogenetic location: 13q14.2.
Variant type: single nucleotide variant.
Coding change: c.2449G>C on transcript NM_000321.3 (MANE Select); coding-DNA position 2449, G replaced by C.
Protein change: p.Glu817Gln; replaces glutamic acid 817 with glutamine.
Molecular consequence: missense variant.
Genome position (GRCh38, 1-based): chr13:48,465,328, G>C. VCF-style: chr13-48465328-G-C. GRCh37 (hg19) VCF-style: chr13-49039464-G-C.
Other names: short protein forms E817Q.
Identifiers: ClinVar variation 1047186 (VCV001047186.6), dbSNP rs762271261, ClinGen allele CA035554.

ClinVar aggregate classification (germline): Uncertain significance (1 of 4 stars; one submission).

Conditions:
Retinoblastoma (RB1). Also called: RETINOBLASTOMA, SOMATIC. Identifiers: Orphanet 790, MedGen C0035335, MeSH D012175, MONDO:0008380, OMIM 180200, HP:0009919. Disease mechanism: loss of function. Inheritance: Both sporadic and heritable forms are tested..

Allele frequency attached by ClinVar (database versions not stated): gnomAD exomes below 0.00001 and 0.00001; ExAC 0.00001.
gnomAD v4.1: 4 of 1,610,858 alleles (0.00025%); no homozygotes.

Submission:

Labcorp Genetics (formerly Invitae), Labcorp
Classification: Uncertain significance for Retinoblastoma. Last evaluated: 2021-08-26. Review status: criteria provided, single submitter. Criteria: Invitae Variant Classification Sherloc (09022015). Collection method: clinical testing. Allele origin: germline.
Comment: This sequence change replaces glutamic acid with glutamine at codon 817 of the RB1 protein (p.Glu817Gln). The glutamic acid residue is moderately conserved and there is a small physicochemical difference between glutamic acid and glutamine. This variant is present in population databases (rs762271261, ExAC 0.02%). This variant has not been reported in the literature in individuals affected with RB1-related conditions. Algorithms developed to predict the effect of missense changes on protein structure and function are either unavailable or do not agree on the potential impact of this missense change (SIFT: "Tolerated"; PolyPhen-2: "Possibly Damaging"; Align-GVGD: "Class C0"). In summary, the available evidence is currently insufficient to determine the role of this variant in disease. Therefore, it has been classified as a Variant of Uncertain Significance.